The following is an entry in ClinVar:

NM_152393.4(KLHL40):c.1640G>A (p.Arg547His)

Gene: KLHL40 (kelch like family member 40; plus strand). Cytogenetic location: 3p22.1.
Variant type: single nucleotide variant.
Coding change: c.1640G>A on transcript NM_152393.4 (MANE Select); coding-DNA position 1640, G replaced by A.
Protein change: p.Arg547His; replaces arginine 547 with histidine.
Molecular consequence: missense variant.
Genome position (GRCh38, 1-based): chr3:42,690,891, G>A. VCF-style: chr3-42690891-G-A. GRCh37 (hg19) VCF-style: chr3-42732383-G-A.
Other names: short protein forms R547H.
Identifiers: ClinVar variation 566161 (VCV000566161.6), dbSNP rs144187563, ClinGen allele CA2337042.
Genomic context (GRCh38, chr3:42,690,891, plus strand): 5'-AATGATGCACCTTCTCACACACCCCCAGGTGGGCACCCTTCGAGGCCTTCCCACAGGAGC[G>A]TAGCTCACTCAGCCTGGTCAGCCTGGTGGGTACCCTCTATGCCATTGGTGGCTTTGCCAC-3'
Protein context (NP_689606.2, residues 537-557): WAPFEAFPQE[Arg547His]SSLSLVSLVG

ClinVar aggregate classification (germline): Uncertain significance (1 of 4 stars; one submission).

Conditions:
Nemaline myopathy 8 (NEM8). Also called: Nemaline myopathy 8, autosomal recessive. Identifiers: Orphanet 171430, MedGen C3809209, MONDO:0014138, OMIM 615348.

Allele frequency attached by ClinVar (database versions not stated): ExAC 0.00004; gnomAD exomes 0.00004 and 0.00006; ESP Exome Variant Server 0.00008; gnomAD 0.00022 and 0.00023; TOPMed 0.00050; 1000 Genomes Project 30x 0.00062; 1000 Genomes Project 0.00080.

Submission:

Labcorp Genetics (formerly Invitae), Labcorp
Classification: Uncertain significance for Nemaline myopathy 8. Last evaluated: 2022-11-01. Review status: criteria provided, single submitter. Criteria: Invitae Variant Classification Sherloc (09022015). Collection method: clinical testing. Allele origin: germline.
Comment: This sequence change replaces arginine, which is basic and polar, with histidine, which is basic and polar, at codon 547 of the KLHL40 protein (p.Arg547His). This variant is present in population databases (rs144187563, gnomAD 0.03%). This variant has not been reported in the literature in individuals affected with KLHL40-related conditions. ClinVar contains an entry for this variant (Variation ID: 566161). Advanced modeling of protein sequence and biophysical properties (such as structural, functional, and spatial information, amino acid conservation, physicochemical variation, residue mobility, and thermodynamic stability) has been performed at Invitae for this missense variant, however the output from this modeling did not meet the statistical confidence thresholds required to predict the impact of this variant on KLHL40 protein function. In summary, the available evidence is currently insufficient to determine the role of this variant in disease. Therefore, it has been classified as a Variant of Uncertain Significance.